The following is an entry in ClinVar:

ClinVar aggregate classification (germline): Uncertain significance (1 of 4 stars; one submission).

Conditions:
Cardiomyopathy (CMYO). Also called: Cardiomyopathies. Identifiers: Orphanet 167848, MedGen C0878544, MONDO:0004994, HP:0001638. Inheritance: Various modes of inheritance.

Submission:

Color Diagnostics, LLC DBA Color Health
Classification: Uncertain significance for Cardiomyopathy. Last evaluated: 2025-06-09. Review status: criteria provided, single submitter. Criteria: ACMG Guidelines, 2015. Collection method: clinical testing. Allele origin: germline.
Comment: This variant inserts 40 nucleotides in exon 18 of the MYH7 gene, creating a frameshift and premature translation stop signal. This variant is expected to result in an absent or non-functional protein product. To our knowledge, this variant has not been reported in individuals affected with MYH7-related disorders in the literature. This variant has not been identified in the general population by the Genome Aggregation Database (gnomAD). Clinical relevance of loss-of-function MYH7 truncation variants in autosomal dominant cardiovascular disorders is not clearly established. The available evidence is insufficient to determine the role of this variant in disease conclusively. Therefore, this variant is classified as a Variant of Uncertain Significance.

NM_000257.4(MYH7):c.2004_2043dup (p.Gly682delinsLeuCysThrLeuTyrHisProTer)

Gene: MYH7 (myosin heavy chain 7; minus strand). Cytogenetic location: 14q11.2.
Variant type: Duplication.
Coding change: c.2004_2043dup on transcript NM_000257.4 (MANE Select); coding-DNA positions 2004 to 2043, 40 bases duplicated.
Protein change: p.Gly682delinsLeuCysThrLeuTyrHisProTer.
Molecular consequence: nonsense.
Genome position (GRCh38, 1-based): chr14:23,426,778-23,426,817, 40 bases duplicated; duplicating any 40 consecutive bases within chr14:23,426,778-23,426,820 gives the same sequence; the c. name uses the placement nearest the transcript's 3' end. GRCh37 (hg19): chr14:23,895,990-23,896,029.
Other names: c.2004_2043dup, p.Gly682delinsLeuCysThrLeuTyrHisProTer (NM_001407004.1).
Identifiers: ClinVar variation 4756914 (VCV004756914.1).